The following is an entry in ClinVar:

ClinVar aggregate classification (germline): Benign. Review status: criteria provided, multiple submitters, no conflicts (2 of 4 stars). 18 submissions from 17 submitters: Benign (13). 5 of the submissions do not count toward it. Last evaluated 2026-02-04.

Conditions:
Corneal dystrophy. Identifiers: Orphanet 34533, MedGen C0010036, MONDO:0018102, HP:0001131.
Retinal dystrophy. Also called: Inherited retinal dystrophy. Identifiers: Orphanet 71862, MedGen C0854723, MeSH D058499, MONDO:0019118, HP:0000556.
Bietti crystalline corneoretinal dystrophy (BCD). Also called: BIETTI TAPETORETINAL DEGENERATION WITH MARGINAL CORNEAL DYSTROPHY; Bietti Crystalline Dystrophy. Identifiers: Orphanet 41751, MedGen C1859486, MONDO:0008865, OMIM 210370.

Allele frequency attached by ClinVar (database versions not stated): 1000 Genomes Project 0.40974; TOPMed 0.45273; gnomAD 0.46276 and 0.45965; ESP Exome Variant Server 0.46360; ExAC 0.52893; 1000 Genomes Project 30x 0.41537; gnomAD exomes 0.44357.

Submissions (18):

Labcorp Genetics (formerly Invitae), Labcorp
Classification: Benign. Last evaluated: 2026-02-04. Review status: criteria provided, single submitter. Criteria: Invitae Variant Classification Sherloc (09022015). Collection method: clinical testing. Allele origin: germline.

Dasa
Classification: Benign. Last evaluated: 2025-12-08. Review status: criteria provided, single submitter. Criteria: DASA Assertion Criteria. Collection method: clinical testing. Allele origin: germline.
Comment: NM_207352.4(CYP4V2):c.64C>G (p.Leu22Val) is a missense variant that results in the substitution of leucine with valine. Population frequency is inconsistent with a disease-causing role for this variant, and observations in unaffected individuals support a benign interpretation. Computational prediction algorithms are consistent with a benign effect. Therefore, based on the currently available evidence, this variant is classified as benign.

Blueprint Genetics
Classification: Benign. Last evaluated: 2024-11-26. Review status: criteria provided, single submitter. Criteria: ACMG Guidelines, 2015. Collection method: clinical testing. Allele origin: germline.

Dept Of Ophthalmology, Nagoya University
Classification: Benign for Retinal dystrophy. Last evaluated: 2023-10-01. Review status: criteria provided, single submitter. Criteria: Submitter's publication. Collection method: research. Allele origin: germline. Affected: yes.

Genome-Nilou Lab
Classification: Benign for Bietti crystalline corneoretinal dystrophy. Last evaluated: 2021-07-30. Review status: criteria provided, single submitter. Criteria: ACMG Guidelines, 2015. Collection method: clinical testing. Allele origin: germline. Affected: no.

Molecular Genetics, Royal Melbourne Hospital
Classification: Benign for Bietti crystalline corneoretinal dystrophy. Last evaluated: 2020-11-20. Review status: criteria provided, single submitter. Criteria: ACMG Guidelines, 2015. Collection method: clinical testing. Allele origin: germline. Affected: no.
Comment: Population allele frequency is 45% (101,504/227,310 alleles; gnomAD v2.0.2). Based on the classification scheme RMH ACMG Guidelines v1.1.1, this variant is classified as Benign. Following criteria met: BA1

GeneDx
Classification: Benign. Last evaluated: 2020-03-14. Review status: criteria provided, single submitter. Criteria: GeneDx Variant Classification Process June 2021. Collection method: clinical testing. Allele origin: germline. Affected: yes.

Mendelics
Classification: Benign for Bietti crystalline corneoretinal dystrophy. Last evaluated: 2019-05-28. Review status: criteria provided, single submitter. Criteria: Mendelics Assertion Criteria 2017. Collection method: clinical testing. Allele origin: unknown.

Illumina Laboratory Services, Illumina
Classification: Benign for Bietti crystalline corneoretinal dystrophy. Last evaluated: 2018-01-13. Review status: criteria provided, single submitter. Criteria: ICSL Variant Classification Criteria 13 December 2019. Collection method: clinical testing. Allele origin: germline.
Comment: This variant was observed in the ICSL laboratory as part of a predisposition screen in an ostensibly healthy population. It had not been previously curated by ICSL or reported in the Human Gene Mutation Database (HGMD: prior to June 1st, 2018), and was therefore a candidate for classification through an automated scoring system. Utilizing variant allele frequency, disease prevalence and penetrance estimates, and inheritance mode, an automated score was calculated to assess if this variant is too frequent to cause the disease. Based on the score and internal cut-off values, a variant classified as benign is not then subjected to further curation. The score for this variant resulted in a classification of benign for this disease.

Illumina Laboratory Services, Illumina
Classification: Benign for Corneal dystrophy. Last evaluated: 2018-01-13. Review status: criteria provided, single submitter. Criteria: ICSL Variant Classification Criteria 13 December 2019. Collection method: clinical testing. Allele origin: germline.
Comment: the same text as in the submission from Illumina Laboratory Services, Illumina above.

Eurofins Ntd Llc (ga)
Classification: Benign. Last evaluated: 2013-07-25. Review status: criteria provided, single submitter. Criteria: EGL Classification Definitions 2015. Collection method: clinical testing. Allele origin: germline. Observed: 18 variant alleles, 13 heterozygotes, 5 homozygotes.

Breakthrough Genomics
Classification: Benign. Review status: criteria provided, single submitter. Criteria: ACMG Guidelines, 2015. Collection method: not provided. Allele origin: germline. Inheritance: Autosomal recessive inheritance. Affected: yes.

PreventionGenetics, part of Exact Sciences
Classification: Benign. Review status: criteria provided, single submitter. Criteria: ACMG Guidelines, 2015. Collection method: clinical testing. Allele origin: germline.

GeneReviews
Classification: Pathogenic for Bietti Crystalline Dystrophy. Last evaluated: 2012-04-12. Review status: no assertion criteria provided. Collection method: curation. Allele origin: unknown. Not counted in ClinVar's aggregate classification.
ClinVar note: Converted during submission from pathologic to Pathogenic.

Clinical Genetics, Academic Medical Center
Classification: Benign. Review status: no assertion criteria provided. Collection method: clinical testing. Allele origin: germline. Affected: yes. Study: VKGL Data-share Consensus. Not counted in ClinVar's aggregate classification.

Department of Ophthalmology and Visual Sciences Kyoto University
Classification: Likely benign. Review status: no assertion criteria provided. Collection method: not provided. Allele origin: unknown. Not counted in ClinVar's aggregate classification.
ClinVar note: Converted during submission from probable-non-pathogenic to Likely benign.

Diagnostic Laboratory, Department of Genetics, University Medical Center Groningen
Classification: Benign for Bietti crystalline corneoretinal dystrophy. Review status: no assertion criteria provided. Collection method: clinical testing. Allele origin: germline. Affected: yes. Study: VKGL Data-share Consensus. Not counted in ClinVar's aggregate classification.

Joint Genome Diagnostic Labs from Nijmegen and Maastricht, Radboudumc and MUMC+
Classification: Benign. Review status: no assertion criteria provided. Collection method: clinical testing. Allele origin: germline. Affected: yes. Study: VKGL Data-share Consensus. Not counted in ClinVar's aggregate classification.

NM_207352.4(CYP4V2):c.64C>G (p.Leu22Val)

Genes: CYP4V2 (cytochrome P450 family 4 subfamily V member 2; plus strand), LOC129993526 (ATAC-STARR-seq lymphoblastoid silent region 15858; plus strand). Cytogenetic location: 4q35.1.
Variant type: single nucleotide variant.
Coding change: c.64C>G on transcript NM_207352.4 (MANE Select); coding-DNA position 64, C replaced by G.
Protein change: p.Leu22Val; replaces leucine 22 with valine.
Molecular consequence: missense variant.
Genome position (GRCh38, 1-based): chr4:186,191,887, C>G. VCF-style: chr4-186191887-C-G. GRCh37 (hg19) VCF-style: chr4-187113041-C-G.
Other names: c.367C>G; short protein forms L22V.
Identifiers: ClinVar variation 39267 (VCV000039267.34), dbSNP rs1055138, ClinGen allele CA149664.
Genomic context (GRCh38, chr4:186,191,887, plus strand): 5'-GCGGGGCTCTGGCTGGGGCTCGTGTGGCAGAAGCTGCTGCTGTGGGGCGCGGCGAGTGCC[C>G]TTTCCCTGGCCGGCGCCAGTCTGGTCCTGAGCCTGCTGCAGAGGGTGGCGAGCTACGCGC-3'
Protein context (NP_997235.3, residues 12-32): KLLLWGAASA[Leu22Val]SLAGASLVLS